The following is an entry in ClinVar:

ClinVar aggregate classification (germline): Uncertain significance. Review status: criteria provided, multiple submitters, no conflicts (2 of 4 stars). 2 submissions from 2 submitters: Uncertain significance (2). Last evaluated 2025-09-17.

Conditions:
Autosomal dominant epilepsy with auditory features. Identifiers: Orphanet 101046, MedGen C1838062, MONDO:0010898.

Allele frequency attached by ClinVar (database versions not stated): gnomAD exomes below 0.00001 and 0.00001; ExAC 0.00001; gnomAD 0.00001; TOPMed 0.00002; ESP Exome Variant Server 0.00008.
gnomAD v4.1: 4 of 1,614,048 alleles (0.00025%); highest among the groups gnomAD compares: African/African-American, 0.004%; no homozygotes.

Submissions (2):

Labcorp Genetics (formerly Invitae), Labcorp
Classification: Uncertain significance for Autosomal dominant epilepsy with auditory features. Last evaluated: 2025-09-17. Review status: criteria provided, single submitter. Criteria: Invitae Variant Classification Sherloc (09022015). Collection method: clinical testing. Allele origin: germline.
Comment: This sequence change replaces methionine, which is neutral and non-polar, with valine, which is neutral and non-polar, at codon 429 of the LGI1 protein (p.Met429Val). This variant is present in population databases (rs147473519, gnomAD 0.008%). This variant has not been reported in the literature in individuals affected with LGI1-related conditions. ClinVar contains an entry for this variant (Variation ID: 872768). Invitae Evidence Modeling of protein sequence and biophysical properties (such as structural, functional, and spatial information, amino acid conservation, physicochemical variation, residue mobility, and thermodynamic stability) indicates that this missense variant is not expected to disrupt LGI1 protein function with a negative predictive value of 80%. In summary, the available evidence is currently insufficient to determine the role of this variant in disease. Therefore, it has been classified as a Variant of Uncertain Significance.

CeGaT Center for Human Genetics Tuebingen
Classification: Uncertain significance. Last evaluated: 2019-12-01. Review status: criteria provided, single submitter. Criteria: CeGaT Center For Human Genetics Tuebingen Variant Classification Criteria Version 2. Collection method: clinical testing. Allele origin: germline. Affected: yes. Observed: 1 variant allele.

NM_005097.4(LGI1):c.1285A>G (p.Met429Val)

Gene: LGI1 (leucine rich glioma inactivated 1; plus strand). Cytogenetic location: 10q23.33.
Variant type: single nucleotide variant.
Coding change: c.1285A>G on transcript NM_005097.4 (MANE Select); coding-DNA position 1285, A replaced by G.
Protein change: p.Met429Val; replaces methionine 429 with valine.
Molecular consequence: missense variant. On other transcripts: non-coding transcript variant (1), intron variant (1).
Genome position (GRCh38, 1-based): chr10:93,797,414, A>G. VCF-style: chr10-93797414-A-G. GRCh37 (hg19) VCF-style: chr10-95557171-A-G.
Other names: c.1141A>G, p.Met381Val (NM_001308276.2); c.839-335A>G (NM_001308275.2); short protein forms M429V, M381V.
Identifiers: ClinVar variation 872768 (VCV000872768.45), dbSNP rs147473519, ClinGen allele CA5611244.